The following is an entry in ClinVar:

NM_001079668.3(NKX2-1):c.1162G>C (p.Gly388Arg)

Genes: NKX2-1 (NK2 homeobox 1; minus strand), SFTA3 (surfactant associated 3; minus strand). Cytogenetic location: 14q13.3.
Variant type: single nucleotide variant.
Coding change: c.1162G>C on transcript NM_001079668.3 (MANE Select); coding-DNA position 1162, G replaced by C.
Protein change: p.Gly388Arg; replaces glycine 388 with arginine.
Molecular consequence: missense variant.
Genome position (GRCh38, 1-based): chr14:36,517,322, C>G on the plus strand (G>C on the coding strand, the complement: NKX2-1 is on the minus strand). VCF-style: chr14-36517322-C-G. GRCh37 (hg19) VCF-style: chr14-36986527-C-G.
Other names: c.1072G>C, p.Gly358Arg (NM_003317.4); short protein forms G358R, G388R.
Identifiers: ClinVar variation 4697237 (VCV004697237.1).

ClinVar aggregate classification (germline): Uncertain significance (1 of 4 stars; one submission).

Submission:

Labcorp Genetics (formerly Invitae), Labcorp
Classification: Uncertain significance. Last evaluated: 2025-04-13. Review status: criteria provided, single submitter. Criteria: Invitae Variant Classification Sherloc (09022015). Collection method: clinical testing. Allele origin: germline.
Comment: This sequence change replaces glycine, which is neutral and non-polar, with arginine, which is basic and polar, at codon 388 of the NKX2-1 protein (p.Gly388Arg). This variant is not present in population databases (gnomAD no frequency). This variant has not been reported in the literature in individuals affected with NKX2-1-related conditions. An algorithm developed to predict the effect of missense changes on protein structure and function (PolyPhen-2) suggests that this variant is likely to be disruptive. In summary, the available evidence is currently insufficient to determine the role of this variant in disease. Therefore, it has been classified as a Variant of Uncertain Significance.